The following is an entry in ClinVar:

NM_002016.2(FLG):c.9991A>G (p.Arg3331Gly)

Genes: CCDST (cervical cancer associated DHX9 suppressive transcript; plus strand), FLG (filaggrin; minus strand). Cytogenetic location: 1q21.3.
Variant type: single nucleotide variant.
Coding change: c.9991A>G on transcript NM_002016.2 (MANE Select); coding-DNA position 9991, A replaced by G.
Protein change: p.Arg3331Gly; replaces arginine 3331 with glycine.
Molecular consequence: missense variant.
Genome position (GRCh38, 1-based): chr1:152,304,895, T>C on the plus strand (A>G on the coding strand, the complement: FLG is on the minus strand). VCF-style: chr1-152304895-T-C. GRCh37 (hg19) VCF-style: chr1-152277371-T-C.
Other names: short protein forms R3331G.
Identifiers: ClinVar variation 4911400 (VCV004911400.2).
Genomic context (GRCh38, chr1:152,304,895, plus strand): 5'-CTGACTCTTCTGAATGTCCCTCACTATCACTGGCCTGACTACCACTGGACCCCCAGTGTC[T>C]ACTGTCTCTGACTGCAGATGAAGCTTGTCCACGCGGAATGCCTGAGTGTCTGGAGCTGTC-3'
Protein context (NP_002007.1, residues 3321-3341): GQASSAVRDS[Arg3331Gly]HWGSSGSQAS

ClinVar aggregate classification (germline): Likely benign. Review status: criteria provided, multiple submitters, no conflicts (2 of 4 stars). 2 submissions from 2 submitters: Likely benign (2). Last evaluated 2026-07-01.

gnomAD v4.1: 370 of 1,613,542 alleles (0.023%); highest among the groups gnomAD compares: African/African-American, 0.008%; 1 homozygote.

Submissions (2):

CeGaT Center for Human Genetics Tuebingen
Classification: Likely benign. Last evaluated: 2026-07-01. Review status: criteria provided, single submitter. Criteria: CeGaT Center For Human Genetics Tuebingen Variant Classification Criteria Version 2. Collection method: clinical testing. Allele origin: germline. Affected: yes. Observed: 1 variant allele.
Comment: FLG: BP4

Blueprint Genetics
Classification: Likely benign. Last evaluated: 2024-09-18. Review status: criteria provided, single submitter. Criteria: ACMG Guidelines, 2015. Collection method: clinical testing. Allele origin: germline.